The following is an entry in ClinVar:

ClinVar aggregate classification (germline): Uncertain significance (1 of 4 stars; one submission).

Conditions:
Exostoses, multiple, type 2 (EXT2). Also called: EXOSTOSES, MULTIPLE, TYPE II; Hereditary Multiple Osteochondromatosis, Type II. Identifiers: Orphanet 321, MedGen C1851413, MONDO:0007586, OMIM 133701.

Submission:

Labcorp Genetics (formerly Invitae), Labcorp
Classification: Uncertain significance for Exostoses, multiple, type 2. Last evaluated: 2024-01-02. Review status: criteria provided, single submitter. Criteria: Invitae Variant Classification Sherloc (09022015). Collection method: clinical testing. Allele origin: germline.
Comment: This sequence change replaces lysine, which is basic and polar, with threonine, which is neutral and polar, at codon 103 of the EXT2 protein (p.Lys103Thr). This variant is not present in population databases (gnomAD no frequency). This variant has not been reported in the literature in individuals affected with EXT2-related conditions. ClinVar contains an entry for this variant (Variation ID: 1039666). Advanced modeling of protein sequence and biophysical properties (such as structural, functional, and spatial information, amino acid conservation, physicochemical variation, residue mobility, and thermodynamic stability) performed at Invitae indicates that this missense variant is not expected to disrupt EXT2 protein function with a negative predictive value of 80%. In summary, the available evidence is currently insufficient to determine the role of this variant in disease. Therefore, it has been classified as a Variant of Uncertain Significance.

NM_207122.2(EXT2):c.308A>C (p.Lys103Thr)

Gene: EXT2 (exostosin glycosyltransferase 2; plus strand). Cytogenetic location: 11p11.2.
Variant type: single nucleotide variant.
Coding change: c.308A>C on transcript NM_207122.2 (MANE Select); coding-DNA position 308, A replaced by C.
Protein change: p.Lys103Thr; replaces lysine 103 with threonine.
Molecular consequence: missense variant.
Genome position (GRCh38, 1-based): chr11:44,108,020, A>C. VCF-style: chr11-44108020-A-C. GRCh37 (hg19) VCF-style: chr11-44129570-A-C.
Other names: c.407A>C, p.Lys136Thr (NM_000401.3); c.308A>C, p.Lys103Thr (NM_001178083.3); short protein forms K103T, K136T.
Identifiers: ClinVar variation 1039666 (VCV001039666.10), dbSNP rs1321100355, ClinGen allele CA380180067.